The following is an entry in ClinVar:

ClinVar aggregate classification (germline): Uncertain significance (1 of 4 stars; one submission).

Conditions:
Desmin-related myofibrillar myopathy (MFM1). Also called: MYOFIBRILLAR MYOPATHY WITH ARRHYTHMOGENIC RIGHT VENTRICULAR CARDIOMYOPATHY; DESMIN-RELATED MYOPATHY WITH ARRHYTHMOGENIC RIGHT VENTRICULAR CARDIOMYOPATHY; Desminopathy; Desmin related myopathy (former name); Desmin storage myopathy (former name); Myofibrillar myopathy 1. Identifiers: Orphanet 363543, Orphanet 98909, MedGen C1832370, MONDO:0011076, OMIM 601419.

Submission:

Labcorp Genetics (formerly Invitae), Labcorp
Classification: Uncertain significance for Desmin-related myofibrillar myopathy. Last evaluated: 2024-08-20. Review status: criteria provided, single submitter. Criteria: Invitae Variant Classification Sherloc (09022015). Collection method: clinical testing. Allele origin: germline.
Comment: This sequence change replaces aspartic acid, which is acidic and polar, with alanine, which is neutral and non-polar, at codon 177 of the DES protein (p.Asp177Ala). This variant is not present in population databases (gnomAD no frequency). This variant has not been reported in the literature in individuals affected with DES-related conditions. Invitae Evidence Modeling of protein sequence and biophysical properties (such as structural, functional, and spatial information, amino acid conservation, physicochemical variation, residue mobility, and thermodynamic stability) has been performed for this missense variant. However, the output from this modeling did not meet the statistical confidence thresholds required to predict the impact of this variant on DES protein function. In summary, the available evidence is currently insufficient to determine the role of this variant in disease. Therefore, it has been classified as a Variant of Uncertain Significance.

NM_001927.4(DES):c.530A>C (p.Asp177Ala)

Gene: DES (desmin; plus strand). Cytogenetic location: 2q35.
Variant type: single nucleotide variant.
Coding change: c.530A>C on transcript NM_001927.4 (MANE Select); coding-DNA position 530, A replaced by C.
Protein change: p.Asp177Ala; replaces aspartic acid 177 with alanine.
Molecular consequence: missense variant. On other transcripts: intron variant (1).
Genome position (GRCh38, 1-based): chr2:219,418,992, A>C. VCF-style: chr2-219418992-A-C. GRCh37 (hg19) VCF-style: chr2-220283714-A-C.
Other names: c.530A>C, p.Asp177Ala (NM_001382708.1, NM_001382709.1, NM_001382710.1 and 2 more transcripts); c.495+35A>C (NM_001382713.1); short protein forms D177A.
Identifiers: ClinVar variation 3751929 (VCV003751929.2).